The following is an entry in ClinVar:

NM_170606.3(KMT2C):c.9242A>C (p.Glu3081Ala)

Gene: KMT2C (lysine methyltransferase 2C; minus strand). Cytogenetic location: 7q36.1.
Variant type: single nucleotide variant.
Coding change: c.9242A>C on transcript NM_170606.3 (MANE Select); coding-DNA position 9242, A replaced by C.
Protein change: p.Glu3081Ala; replaces glutamic acid 3081 with alanine.
Molecular consequence: missense variant.
Genome position (GRCh38, 1-based): chr7:152,176,211, T>G on the plus strand (A>C on the coding strand, the complement: KMT2C is on the minus strand). VCF-style: chr7-152176211-T-G. GRCh37 (hg19) VCF-style: chr7-151873296-T-G.
Other names: short protein forms E3081A.
Identifiers: ClinVar variation 4056566 (VCV004056566.2).

ClinVar aggregate classification (germline): Conflicting classifications of pathogenicity. Review status: criteria provided, conflicting classifications (1 of 4 stars). 2 submissions from 2 submitters: Uncertain significance (1); Likely benign (1). Last evaluated 2025-03-28.

Conditions:
Kleefstra syndrome 2 (KLEFS2). Identifiers: MedGen C4540395, MONDO:0054701, OMIM 617768.

Submissions (2):

Labcorp Genetics (formerly Invitae), Labcorp
Classification: Likely benign. Last evaluated: 2025-03-28. Review status: criteria provided, single submitter. Criteria: Invitae Variant Classification Sherloc (09022015). Collection method: clinical testing. Allele origin: germline.

Laboratorio de Genetica e Diagnostico Molecular, Hospital Israelita Albert Einstein
Classification: Uncertain significance for Kleefstra syndrome 2. Last evaluated: 2024-10-21. Review status: criteria provided, single submitter. Criteria: ACMG Guidelines, 2015. Collection method: clinical testing. Allele origin: germline. Affected: yes.
Comment: ACMG classification criteria: PM2 supporting, PP2 supporting